The following is an entry in ClinVar:

NM_024409.4(NPPC):c.211C>A (p.Leu71Met)

Gene: NPPC (natriuretic peptide C; minus strand). Cytogenetic location: 2q37.1.
Variant type: single nucleotide variant.
Coding change: c.211C>A on transcript NM_024409.4 (MANE Select); coding-DNA position 211, C replaced by A.
Protein change: p.Leu71Met; replaces leucine 71 with methionine.
Molecular consequence: missense variant.
Genome position (GRCh38, 1-based): chr2:231,925,595, G>T on the plus strand (C>A on the coding strand, the complement: NPPC is on the minus strand). VCF-style: chr2-231925595-G-T. GRCh37 (hg19) VCF-style: chr2-232790305-G-T.
Other names: c.211C>A (NM_024409.2); short protein forms L71M.
Identifiers: ClinVar variation 1437977 (VCV001437977.8), dbSNP rs986266609, ClinGen allele CA67489343.
Genomic context (GRCh38, chr2:231,925,595, plus strand): 5'-CTTGCAGAAGGCGAGCCCACGCTGCCCGCGACTTGGTGTCCACGCGCAGGTCCCGGAGCA[G>T]TCGCGACCGGTCGCCCTTGAGATTGGCGCCCCCGCCCCCGGGAGCCTTGTCGCCCTTCTT-3'
Protein context (NP_077720.1, residues 61-81): GANLKGDRSR[Leu71Met]LRDLRVDTKS

ClinVar aggregate classification (germline): Uncertain significance. Review status: criteria provided, multiple submitters, no conflicts (2 of 4 stars). 2 submissions from 2 submitters: Uncertain significance (2). Last evaluated 2025-04-17.

Allele frequency attached by ClinVar (database versions not stated): gnomAD 0.00013 and 0.00012; TOPMed 0.00026; gnomAD exomes 0.00002.
gnomAD v4.1: 34 of 1,611,316 alleles (0.0021%); highest among the groups gnomAD compares: Admixed American, 0.05%; no homozygotes.

Submissions (2):

Labcorp Genetics (formerly Invitae), Labcorp
Classification: Uncertain significance. Last evaluated: 2025-04-17. Review status: criteria provided, single submitter. Criteria: Invitae Variant Classification Sherloc (09022015). Collection method: clinical testing. Allele origin: germline.
Comment: This sequence change replaces leucine with methionine at codon 71 of the NPPC protein (p.Leu71Met). The leucine residue is highly conserved and there is a small physicochemical difference between leucine and methionine. This variant is present in population databases (no rsID available, gnomAD 0.006%). This variant has not been reported in the literature in individuals affected with NPPC-related conditions. ClinVar contains an entry for this variant (Variation ID: 1437977). An algorithm developed to predict the effect of missense changes on protein structure and function (PolyPhen-2) suggests that this variant is likely to be disruptive. In summary, the available evidence is currently insufficient to determine the role of this variant in disease. Therefore, it has been classified as a Variant of Uncertain Significance.

Ambry Genetics
Classification: Uncertain significance. Last evaluated: 2024-06-17. Review status: criteria provided, single submitter. Criteria: Ambry Variant Classification Scheme 2023. Collection method: clinical testing. Allele origin: germline.